The following is an entry in ClinVar:

ClinVar aggregate classification (germline): Uncertain significance. Review status: criteria provided, multiple submitters, no conflicts (2 of 4 stars). 3 submissions from 3 submitters: Uncertain significance (3). Last evaluated 2025-10-01.

Conditions:
Hereditary cancer-predisposing syndrome. Also called: Tumor predisposition; Neoplastic Syndromes, Hereditary; Hereditary Cancer Syndrome; Hereditary neoplastic syndrome. Identifiers: Orphanet 140162, MedGen C0027672, MeSH D009386, MONDO:0015356.

Allele frequency attached by ClinVar (database versions not stated): gnomAD 0.00001.
gnomAD v4.1: 1 of 1,613,594 alleles (0.000062%); highest among the groups gnomAD compares: African/African-American, 0.0013%; no homozygotes.

Submissions (3):

Labcorp Genetics (formerly Invitae), Labcorp
Classification: Uncertain significance. Last evaluated: 2025-10-01. Review status: criteria provided, single submitter. Criteria: Invitae Variant Classification Sherloc (09022015). Collection method: clinical testing. Allele origin: germline.
Comment: This sequence change replaces alanine, which is neutral and non-polar, with serine, which is neutral and polar, at codon 1586 of the POLE protein (p.Ala1586Ser). This variant is not present in population databases (gnomAD no frequency). This variant has not been reported in the literature in individuals affected with POLE-related conditions. ClinVar contains an entry for this variant (Variation ID: 801266). Invitae Evidence Modeling of protein sequence and biophysical properties (such as structural, functional, and spatial information, amino acid conservation, physicochemical variation, residue mobility, and thermodynamic stability) indicates that this missense variant is not expected to disrupt POLE protein function with a negative predictive value of 80%. In summary, the available evidence is currently insufficient to determine the role of this variant in disease. Therefore, it has been classified as a Variant of Uncertain Significance.

Ambry Genetics
Classification: Uncertain significance for Hereditary cancer-predisposing syndrome. Last evaluated: 2024-12-15. Review status: criteria provided, single submitter. Criteria: Ambry Variant Classification Scheme 2023. Collection method: clinical testing. Allele origin: germline.
Comment: The p.A1586S variant (also known as c.4756G>T), located in coding exon 37 of the POLE gene, results from a G to T substitution at nucleotide position 4756. The alanine at codon 1586 is replaced by serine, an amino acid with similar properties. This amino acid position is conserved. In addition, the in silico prediction for this alteration is inconclusive. Based on the available evidence, the clinical significance of this variant remains unclear.

Quest Diagnostics Nichols Institute San Juan Capistrano
Classification: Uncertain significance. Last evaluated: 2019-08-07. Review status: criteria provided, single submitter. Criteria: Quest Diagnostics criteria. Collection method: clinical testing. Allele origin: germline.

NM_006231.4(POLE):c.4756G>T (p.Ala1586Ser)

Gene: POLE (DNA polymerase epsilon, catalytic subunit; minus strand). Cytogenetic location: 12q24.33.
Variant type: single nucleotide variant.
Coding change: c.4756G>T on transcript NM_006231.4 (MANE Select); coding-DNA position 4756, G replaced by T.
Protein change: p.Ala1586Ser; replaces alanine 1586 with serine.
Molecular consequence: missense variant.
Genome position (GRCh38, 1-based): chr12:132,642,702, C>A on the plus strand (G>T on the coding strand, the complement: POLE is on the minus strand). VCF-style: chr12-132642702-C-A. GRCh37 (hg19) VCF-style: chr12-133219288-C-A.
Other names: c.4756G>T (NM_006231.2); short protein forms A1586S.
Identifiers: ClinVar variation 801266 (VCV000801266.5), dbSNP rs746266857, ClinGen allele CA387378496.